The following is an entry in ClinVar:

NM_001378328.1(CELSR1):c.8260G>C (p.Asp2754His)

Gene: CELSR1 (cadherin EGF LAG seven-pass G-type receptor 1; minus strand). Cytogenetic location: 22q13.31.
Variant type: single nucleotide variant.
Coding change: c.8260G>C on transcript NM_001378328.1 (MANE Select); coding-DNA position 8260, G replaced by C.
Protein change: p.Asp2754His; replaces aspartic acid 2754 with histidine.
Molecular consequence: missense variant.
Genome position (GRCh38, 1-based): chr22:46,366,426, C>G on the plus strand (G>C on the coding strand, the complement: CELSR1 is on the minus strand). VCF-style: chr22-46366426-C-G. GRCh37 (hg19) VCF-style: chr22-46762323-C-G.
Other names: c.8260G>C, p.Asp2754His (NM_014246.4); short protein forms D2754H.
Identifiers: ClinVar variation 4997986 (VCV004997986.1).

ClinVar aggregate classification (germline): Uncertain significance (1 of 4 stars; one submission).

Conditions:
CELSR1-related disorder. Also called: CELSR1-related condition.

Submission:

PreventionGenetics, part of Exact Sciences
Classification: Uncertain significance for CELSR1-related condition. Last evaluated: 2025-05-27. Review status: criteria provided, single submitter. Criteria: ACMG Guidelines, 2015. Collection method: clinical testing. Allele origin: germline.
Comment: The CELSR1 c.8260G>C variant is predicted to result in the amino acid substitution p.Asp2754His. To our knowledge, this variant has not been reported in the literature or in a large population database (gnomAD), indicating this variant is rare. At this time, the clinical significance of this variant is uncertain due to the absence of conclusive functional and genetic evidence.